The following is an entry in ClinVar:

NM_004706.4(ARHGEF1):c.676A>T (p.Met226Leu)

Gene: ARHGEF1 (Rho guanine nucleotide exchange factor 1; plus strand). Cytogenetic location: 19q13.2.
Variant type: single nucleotide variant.
Coding change: c.676A>T on transcript NM_004706.4 (MANE Select); coding-DNA position 676, A replaced by T.
Protein change: p.Met226Leu; replaces methionine 226 with leucine.
Molecular consequence: missense variant. On other transcripts: non-coding transcript variant (2).
Genome position (GRCh38, 1-based): chr19:41,894,238, A>T. VCF-style: chr19-41894238-A-T. GRCh37 (hg19) VCF-style: chr19-42398311-A-T.
Other names: c.676A>T, p.Met226Leu (NM_001396000.1, NM_001396003.1, NM_001396006.1); c.577A>T, p.Met193Leu (NM_001396002.1, NM_001396004.1, NM_198977.2); c.721A>T, p.Met241Leu (NM_199002.2); short protein forms M193L, M226L, M241L.
Identifiers: ClinVar variation 4848989 (VCV004848989.1).

ClinVar aggregate classification (germline): Uncertain significance (1 of 4 stars; one submission).

gnomAD v4.1: 18 of 1,558,100 alleles (0.0012%); highest among the groups gnomAD compares: African/African-American, 0.019%; no homozygotes.

Submission:

Women's Health and Genetics/Laboratory Corporation of America, LabCorp
Classification: Uncertain significance. Last evaluated: 2026-04-01. Review status: criteria provided, single submitter. Criteria: LabCorp Variant Classification Summary - May 2015. Collection method: clinical testing. Allele origin: germline.
Comment: Variant summary: ARHGEF1 c.721A>T (p.Met241Leu) results in a conservative amino acid change in the encoded protein sequence. Algorithms developed to predict the effect of missense changes on protein structure and function are either unavailable or do not agree on the potential impact of this missense change. The variant allele was found at a frequency of 1.9e-05 in 213896 control chromosomes. The available data on variant occurrences in the general population are insufficient to allow any conclusion about variant significance. To our knowledge, no occurrence of c.721A>T in individuals affected with ARHGEF1-related conditions and no experimental evidence demonstrating its impact on protein function have been reported. No submitters have cited clinical-significance assessments for this variant to ClinVar. Based on the evidence outlined above, the variant was classified as uncertain significance.